The following is an entry in ClinVar:

NM_016642.4(SPTBN5):c.10719C>T (p.Phe3573=)

Gene: SPTBN5 (spectrin beta, non-erythrocytic 5; minus strand). Cytogenetic location: 15q15.1.
Variant type: single nucleotide variant.
Coding change: c.10719C>T on transcript NM_016642.4 (MANE Select); coding-DNA position 10719, C replaced by T.
Protein change: p.Phe3573=; no amino-acid change (phenylalanine 3573 retained).
Molecular consequence: synonymous variant.
Genome position (GRCh38, 1-based): chr15:41,851,307, G>A on the plus strand (C>T on the coding strand, the complement: SPTBN5 is on the minus strand). VCF-style: chr15-41851307-G-A. GRCh37 (hg19) VCF-style: chr15-42143505-G-A.
Identifiers: ClinVar variation 2645202 (VCV002645202.24), dbSNP rs1354397414, ClinGen allele CA489848939.

ClinVar aggregate classification (germline): Likely benign (1 of 4 stars; one submission).

Allele frequency attached by ClinVar (database versions not stated): gnomAD exomes below 0.00001.
gnomAD v4.1: 1 of 1,551,156 alleles (0.000064%); no homozygotes.

Submission:

CeGaT Center for Human Genetics Tuebingen
Classification: Likely benign. Last evaluated: 2022-07-01. Review status: criteria provided, single submitter. Criteria: CeGaT Center For Human Genetics Tuebingen Variant Classification Criteria Version 2. Collection method: clinical testing. Allele origin: germline. Affected: yes. Observed: 1 variant allele.
Comment: SPTBN5: PM2:Supporting, BP4, BP7